The following is an entry in ClinVar:

NM_170606.3(KMT2C):c.5952A>C (p.Leu1984=)

Gene: KMT2C (lysine methyltransferase 2C; minus strand). Cytogenetic location: 7q36.1.
Variant type: single nucleotide variant.
Coding change: c.5952A>C on transcript NM_170606.3 (MANE Select); coding-DNA position 5952, A replaced by C.
Protein change: p.Leu1984=; no amino-acid change (leucine 1984 retained).
Molecular consequence: synonymous variant.
Genome position (GRCh38, 1-based): chr7:152,181,908, T>G on the plus strand (A>C on the coding strand, the complement: KMT2C is on the minus strand). VCF-style: chr7-152181908-T-G. GRCh37 (hg19) VCF-style: chr7-151878993-T-G.
Other names: c.5952A>C (NM_170606.2).
Identifiers: ClinVar variation 1528045 (VCV001528045.33), dbSNP rs61730539, ClinGen allele CA4580155.

ClinVar aggregate classification (germline): Benign/Likely benign. Review status: criteria provided, multiple submitters, no conflicts (2 of 4 stars). 5 submissions from 5 submitters: Benign (3); Likely benign (1). 1 of the submissions does not count toward it. Last evaluated 2026-09-01.

Conditions:
KMT2C-related disorder. Also called: KMT2C-related condition; KMT2C-related disorders.

Allele frequency attached by ClinVar (database versions not stated): 1000 Genomes Project 30x 0.00078; 1000 Genomes Project 0.00080; ESP Exome Variant Server 0.00231; ExAC 0.00251; gnomAD exomes 0.00277; gnomAD 0.00295 and 0.00305.
gnomAD v4.1: 6,530 of 1,614,196 alleles (0.4%); highest among the groups gnomAD compares: Non-Finnish European, 0.49%; 15 homozygotes.

Submissions (5):

CeGaT Center for Human Genetics Tuebingen
Classification: Benign. Last evaluated: 2026-09-01. Review status: criteria provided, single submitter. Criteria: CeGaT Center For Human Genetics Tuebingen Variant Classification Criteria Version 2. Collection method: clinical testing. Allele origin: germline. Affected: yes. Observed: 24 variant alleles.
Comment: KMT2C: BP4, BP7, BS1, BS2

Labcorp Genetics (formerly Invitae), Labcorp
Classification: Benign. Last evaluated: 2025-12-30. Review status: criteria provided, single submitter. Criteria: Invitae Variant Classification Sherloc (09022015). Collection method: clinical testing. Allele origin: germline.

Blueprint Genetics
Classification: Likely benign. Last evaluated: 2024-11-20. Review status: criteria provided, single submitter. Criteria: ACMG Guidelines, 2015. Collection method: clinical testing. Allele origin: germline.

Breakthrough Genomics
Classification: Benign. Review status: criteria provided, single submitter. Criteria: ACMG Guidelines, 2015. Collection method: not provided. Allele origin: germline. Inheritance: Autosomal dominant inheritance. Affected: yes.

PreventionGenetics, part of Exact Sciences
Classification: Benign for KMT2C-related condition. Last evaluated: 2021-08-11. Review status: no assertion criteria provided. Collection method: clinical testing. Allele origin: germline. Not counted in ClinVar's aggregate classification.
Comment: This variant is classified as benign based on ACMG/AMP sequence variant interpretation guidelines (Richards et al. 2015 PMID: 25741868, with internal and published modifications).